The following is an entry in ClinVar:

NM_001018005.2(TPM1):c.22A>G (p.Met8Val)

Gene: TPM1 (tropomyosin 1; plus strand). Cytogenetic location: 15q22.2.
Variant type: single nucleotide variant.
Coding change: c.22A>G on transcript NM_001018005.2 (MANE Select); coding-DNA position 22, A replaced by G.
Protein change: p.Met8Val; replaces methionine 8 with valine.
Molecular consequence: missense variant. On other transcripts: non-coding transcript variant (11).
Genome position (GRCh38, 1-based): chr15:63,042,851, A>G. VCF-style: chr15-63042851-A-G. GRCh37 (hg19) VCF-style: chr15-63335050-A-G.
Other names: c.22A>G, p.Met8Val (NM_000366.6, NM_001018004.2, NM_001018006.2 and 24 more transcripts); short protein forms M8V.
Identifiers: ClinVar variation 2849500 (VCV002849500.3), dbSNP rs2542411841, ClinGen allele CA392717960.

ClinVar aggregate classification (germline): Uncertain significance (1 of 4 stars; one submission).

Conditions:
Hypertrophic cardiomyopathy. Also called: HYPERTROPHIC MYOCARDIOPATHY. Identifiers: Orphanet 217569, MedGen C0007194, MeSH D002312, MONDO:0005045, HP:0001639.

Submission:

Labcorp Genetics (formerly Invitae), Labcorp
Classification: Uncertain significance for Hypertrophic cardiomyopathy. Last evaluated: 2023-07-24. Review status: criteria provided, single submitter. Criteria: Invitae Variant Classification Sherloc (09022015). Collection method: clinical testing. Allele origin: germline.
Comment: This sequence change replaces methionine, which is neutral and non-polar, with valine, which is neutral and non-polar, at codon 8 of the TPM1 protein (p.Met8Val). This variant is not present in population databases (gnomAD no frequency). This variant has not been reported in the literature in individuals affected with TPM1-related conditions. An algorithm developed to predict the effect of missense changes on protein structure and function (PolyPhen-2) suggests that this variant is likely to be disruptive. This variant disrupts the p.Met8 amino acid residue in TPM1. Other variant(s) that disrupt this residue have been determined to be pathogenic (PMID: 22464770, 33020181). This suggests that this residue is clinically significant, and that variants that disrupt this residue are likely to be disease-causing. In summary, the available evidence is currently insufficient to determine the role of this variant in disease. Therefore, it has been classified as a Variant of Uncertain Significance.

Literature cited by the submitters: PubMed 22464770; PubMed 33020181.